The following is an entry in ClinVar:

ClinVar aggregate classification (germline): Likely pathogenic (1 of 4 stars; one submission).

Conditions:
Hyperimmunoglobulin D with periodic fever (HIDS). Also called: Hyperimmunoglobulinemia D with periodic fever; Hyperimmunoglobulinemia D; HYPERIMMUNOGLOBULINEMIA D AND PERIODIC FEVER SYNDROME. Identifiers: Orphanet 343, MedGen C0398691, MONDO:0009849, OMIM 260920.
Mevalonic aciduria (MEVA). Identifiers: Orphanet 29, MedGen C1959626, MONDO:0012481, OMIM 610377.
Porokeratosis 3, disseminated superficial actinic type (POROK3). Also called: POROKERATOSIS, DISSEMINATED SUPERFICIAL ACTINIC, 1; POROKERATOSIS 3, MULTIPLE TYPES; POROKERATOSIS 3, MIBELLI TYPE. Identifiers: MedGen C1867981, MONDO:0008293, OMIM 175900.

Submission:

Labcorp Genetics (formerly Invitae), Labcorp
Classification: Likely pathogenic for Mevalonic aciduria; Hyperimmunoglobulin D with periodic fever; Porokeratosis 3, disseminated superficial actinic type. Last evaluated: 2024-10-22. Review status: criteria provided, single submitter. Criteria: Invitae Variant Classification Sherloc (09022015). Collection method: clinical testing. Allele origin: germline.
Comment: This sequence change affects a donor splice site in intron 7 of the MVK gene. It is expected to disrupt RNA splicing. Variants that disrupt the donor or acceptor splice site typically lead to a loss of protein function (PMID: 16199547), and loss-of-function variants in MVK are known to be pathogenic (PMID: 16835861, 17105862, 23834120). This variant is not present in population databases (gnomAD no frequency). This variant has not been reported in the literature in individuals affected with MVK-related conditions. ClinVar contains an entry for this variant (Variation ID: 2019291). Algorithms developed to predict the effect of sequence changes on RNA splicing suggest that this variant may disrupt the consensus splice site. In summary, the currently available evidence indicates that the variant is pathogenic, but additional data are needed to prove that conclusively. Therefore, this variant has been classified as Likely Pathogenic.

Literature cited by the submitters: PubMed 16199547; PubMed 16835861; PubMed 17105862; PubMed 23834120.

NM_000431.4(MVK):c.677+1G>T

Gene: MVK (mevalonate kinase; plus strand). Cytogenetic location: 12q24.11.
Variant type: single nucleotide variant.
Coding change: c.677+1G>T on transcript NM_000431.4 (MANE Select); the canonical splice donor site of the intron after coding-DNA position 677, G replaced by T.
Molecular consequence: splice donor variant.
Genome position (GRCh38, 1-based): chr12:109,586,800, G>T. VCF-style: chr12-109586800-G-T. GRCh37 (hg19) VCF-style: chr12-110024605-G-T.
Other names: c.677+1G>T (NM_001414511.1, NM_001414512.1, NM_001414513.1 and 1 more transcripts); c.521+1G>T (NM_001414514.1, NM_001301182.2); c.95+1G>T (NM_001414515.1).
Identifiers: ClinVar variation 2019291 (VCV002019291.4), dbSNP rs2548631951, ClinGen allele CA386648374.
Genomic context (GRCh38, chr12:109,586,800, plus strand): 5'-GTTTTTCTCTTTAGGAGGAGCCCTCCGATACCATCAAGGGAAGATTTCATCCTTAAAGAG[G>T]TAACCTGGGGGTGGAGCAGCACATTCAGCCATGGCTGCATTGATGTGTGCAGGGGGCAGA-3'